The following is an entry in ClinVar:

NM_000399.5(EGR2):c.818T>C (p.Leu273Pro)

Gene: EGR2 (early growth response 2; minus strand). Cytogenetic location: 10q21.3.
Variant type: single nucleotide variant.
Coding change: c.818T>C on transcript NM_000399.5 (MANE Select); coding-DNA position 818, T replaced by C.
Protein change: p.Leu273Pro; replaces leucine 273 with proline.
Molecular consequence: missense variant.
Genome position (GRCh38, 1-based): chr10:62,813,820, A>G on the plus strand (T>C on the coding strand, the complement: EGR2 is on the minus strand). VCF-style: chr10-62813820-A-G. GRCh37 (hg19) VCF-style: chr10-64573580-A-G.
Other names: c.818T>C, p.Leu273Pro (NM_001136177.3, NM_001136178.2); c.668T>C, p.Leu223Pro (NM_001136179.3, NM_001321037.2); c.857T>C, p.Leu286Pro (NM_001410931.1); short protein forms L223P, L286P, L273P.
Identifiers: ClinVar variation 2008775 (VCV002008775.4), dbSNP rs2492296974, ClinGen allele CA377028706.

ClinVar aggregate classification (germline): Uncertain significance (1 of 4 stars; one submission).

Conditions:
Charcot-Marie-Tooth disease, type I (CMT1). Also called: Charcot-Marie-Tooth, Type 1; Charcot-Marie-Tooth disease type 1. Identifiers: Orphanet 65753, MedGen C0751036, MONDO:0019011.

Submission:

Labcorp Genetics (formerly Invitae), Labcorp
Classification: Uncertain significance for Charcot-Marie-Tooth disease, type I. Last evaluated: 2022-12-15. Review status: criteria provided, single submitter. Criteria: Invitae Variant Classification Sherloc (09022015). Collection method: clinical testing. Allele origin: germline.
Comment: This sequence change replaces leucine, which is neutral and non-polar, with proline, which is neutral and non-polar, at codon 273 of the EGR2 protein (p.Leu273Pro). This variant is not present in population databases (gnomAD no frequency). This variant has not been reported in the literature in individuals affected with EGR2-related conditions. Advanced modeling of protein sequence and biophysical properties (such as structural, functional, and spatial information, amino acid conservation, physicochemical variation, residue mobility, and thermodynamic stability) performed at Invitae indicates that this missense variant is not expected to disrupt EGR2 protein function. In summary, the available evidence is currently insufficient to determine the role of this variant in disease. Therefore, it has been classified as a Variant of Uncertain Significance.